The following is an entry in ClinVar:

NM_001386393.1(PANK2):c.175_182del (p.Ser59fs)

Genes: PANK2 (pantothenate kinase 2; plus strand), LOC130065345 (ATAC-STARR-seq lymphoblastoid silent region 12635; plus strand). Cytogenetic location: 20p13.
Variant type: Deletion.
Coding change: c.175_182del on transcript NM_001386393.1 (MANE Select); coding-DNA positions 175 to 182, 8 bases deleted (AGCGCGTC; older notation c.175_182delAGCGCGTC).
Protein change: p.Ser59fs; shifts the reading frame from serine 59.
Molecular consequence: frameshift variant. On other transcripts: non-coding transcript variant (1), intron variant (1), 5 prime UTR variant (1).
Genome position (GRCh38, 1-based): chr20:3,889,605-3,889,612, AGCGCGTC deleted; deleting any 8 consecutive bases within chr20:3,889,604-3,889,612 gives the same sequence; the c. name uses the placement nearest the transcript's 3' end. VCF-style (leftmost placement, unchanged base first): chr20-3889603-GCAGCGCGT-G. GRCh37 (hg19) VCF-style: chr20-3870250-GCAGCGCGT-G.
Other names: c.505_512del, p.Ser169fs (NM_001324192.1, NM_153638.4); c.-246+701_-246+708del (NM_024960.6); c.-537_-530del (NM_001324191.2); short protein forms S169fs, S59fs.
Identifiers: ClinVar variation 504213 (VCV000504213.14), dbSNP rs755653150, ClinGen allele CA9750591.

ClinVar aggregate classification (germline): Pathogenic/Likely pathogenic. Review status: criteria provided, multiple submitters, no conflicts (2 of 4 stars). 5 submissions from 4 submitters: Pathogenic (4); Likely pathogenic (1). Last evaluated 2024-05-01.

Conditions:
Pigmentary pallidal degeneration (NBIA1). Also called: Neuroaxonal dystrophy, late infantile; Hallervorden-Spatz disease; Neurodegeneration with brain iron accumulation 1; PKAN NEUROAXONAL DYSTROPHY, JUVENILE-ONSET; HARP SYNDROME; Pantothenate Kinase-Associated Neurodegeneration. Identifiers: Orphanet 157850, MedGen C0018523, MONDO:0009319, OMIM 234200.
Hypoprebetalipoproteinemia, acanthocytosis, retinitis pigmentosa, and pallidal degeneration. Identifiers: MedGen C1846582, MONDO:0011798.

Submissions (5):

Fulgent Genetics
Classification: Pathogenic for Pigmentary pallidal degeneration. Last evaluated: 2024-05-01. Review status: criteria provided, single submitter. Criteria: ACMG Guidelines, 2015. Collection method: clinical testing. Allele origin: germline.

Labcorp Genetics (formerly Invitae), Labcorp
Classification: Pathogenic for Pigmentary pallidal degeneration. Last evaluated: 2023-09-15. Review status: criteria provided, single submitter. Criteria: Invitae Variant Classification Sherloc (09022015). Collection method: clinical testing. Allele origin: germline.
Comment: This sequence change creates a premature translational stop signal (p.Ser169Glyfs*9) in the PANK2 gene. It is expected to result in an absent or disrupted protein product. Loss-of-function variants in PANK2 are known to be pathogenic (PMID: 11479594, 12510040). This variant is present in population databases (rs755653150, gnomAD 0.02%). This variant has not been reported in the literature in individuals affected with PANK2-related conditions. For these reasons, this variant has been classified as Pathogenic. ClinVar contains an entry for this variant (Variation ID: 504213).

Fulgent Genetics
Classification: Pathogenic for Pigmentary pallidal degeneration. Last evaluated: 2021-10-19. Review status: criteria provided, single submitter. Criteria: ACMG Guidelines, 2015. Collection method: clinical testing. Allele origin: unknown.

Mendelics
Classification: Likely pathogenic for Pigmentary pallidal degeneration. Last evaluated: 2019-05-28. Review status: criteria provided, single submitter. Criteria: Mendelics Assertion Criteria 2017. Collection method: clinical testing. Allele origin: unknown.

GeneDx
Classification: Pathogenic. Last evaluated: 2018-01-31. Review status: criteria provided, single submitter. Criteria: GeneDx Variant Classification (06012015). Collection method: clinical testing. Allele origin: germline. Affected: yes.
Comment: The c.505_512delAGCGCGTC variant in the PANK2 gene has not been reported previously as a pathogenic variant nor as a benign variant, to our knowledge. The c.505_512delAGCGCGTC variant causes a frameshift starting with codon Serine 169, changes this amino acid to a Glycine residue, andcreates a premature Stop codon at position 9 of the new reading frame, denoted p.Ser169GlyfsX9. This variant is predicted to cause loss of normal protein function either through protein truncation ornonsense-mediated mRNA decay. The c.505_512delAGCGCGTC variant is observed in 4/22184(0.02%) alleles from individuals of Latino background, in large population cohorts (Lek et al., 2016). We interpret c.505_512delAGCGCGTC as a pathogenic variant.

Literature cited by the submitters: PubMed 11479594 (cited by Labcorp Genetics (formerly Invitae), Labcorp); PubMed 12510040 (cited by Labcorp Genetics (formerly Invitae), Labcorp).